The following is an entry in ClinVar:

NM_007294.4(BRCA1):c.3965A>G (p.Lys1322Arg)

Genes: BRCA1 (BRCA1 DNA repair associated; minus strand), LOC126862571 (BRD4-independent group 4 enhancer GRCh37_chr17:41243136-41244335; plus strand). Cytogenetic location: 17q21.31.
Variant type: single nucleotide variant.
Coding change: c.3965A>G on transcript NM_007294.4 (MANE Select); coding-DNA position 3965, A replaced by G.
Protein change: p.Lys1322Arg; replaces lysine 1322 with arginine.
Molecular consequence: missense variant. On other transcripts: intron variant (135).
Genome position (GRCh38, 1-based): chr17:43,091,566, T>C on the plus strand (A>G on the coding strand, the complement: BRCA1 is on the minus strand). VCF-style: chr17-43091566-T-C. GRCh37 (hg19) VCF-style: chr17-41243583-T-C.
Other names: p.Lys1322Arg; c.3965A>G (NM_007300.3); c.3752A>G, p.Lys1251Arg (NM_001407571.1, NM_001407853.1, NM_001407894.1 and 9 more transcripts); c.3965A>G, p.Lys1322Arg (NM_001407581.1, NM_001407582.1, NM_001407583.1 and 30 more transcripts); c.3962A>G, p.Lys1321Arg (NM_001407587.1, NM_001407590.1, NM_001407591.1 and 22 more transcripts); c.3956A>G, p.Lys1319Arg (NM_001407646.1, NM_001407647.1); c.3842A>G, p.Lys1281Arg (NM_001407648.1, NM_001407664.1, NM_001407665.1 and 19 more transcripts); c.3839A>G, p.Lys1280Arg (NM_001407649.1, NM_001407670.1, NM_001407671.1 and 11 more transcripts); and 43 more; short protein forms K1322R, K1275R, K1026R, K1194R, K1210R, K1251R, K1281R, K1154R.
Identifiers: ClinVar variation 481448 (VCV000481448.26), dbSNP rs80357042, ClinGen allele CA10594039.

ClinVar aggregate classification (germline): Conflicting classifications of pathogenicity. Review status: criteria provided, conflicting classifications (1 of 4 stars). 9 submissions from 9 submitters: Uncertain significance (6); Likely benign (2). 1 of the submissions does not count toward it. Last evaluated 2025-11-22.

Conditions:
Hereditary cancer-predisposing syndrome. Also called: Tumor predisposition; Hereditary Cancer Syndrome; Hereditary neoplastic syndrome; Neoplastic Syndromes, Hereditary. Identifiers: Orphanet 140162, MedGen C0027672, MeSH D009386, MONDO:0015356.
Hereditary breast ovarian cancer syndrome. Also called: Breast and ovarian cancer; Hereditary breast and/or ovarian cancer syndrome; BRCA1- and BRCA2-Associated Hereditary Breast and Ovarian Cancer; Hereditary breast and ovarian cancer syndrome; Hereditary breast and ovarian cancer syndrome (HBOC); Hereditary breast and ovarian cancer. Identifiers: Orphanet 145, MedGen C0677776, MeSH D061325, MONDO:0003582. Disease mechanism: loss of function.
Breast-ovarian cancer, familial, susceptibility to, 1 (BROVCA1). Also called: BRCA1 Hereditary Breast and Ovarian Cancer; OVARIAN CANCER, SUSCEPTIBILITY TO. Identifiers: Orphanet 145, MedGen C2676676, MONDO:0011450, OMIM 604370. Disease mechanism: loss of function.

Allele frequency attached by ClinVar (database versions not stated): gnomAD exomes below 0.00001 and 0.00001.

Submissions (9):

Ambry Genetics
Classification: Uncertain significance for Hereditary cancer-predisposing syndrome. Last evaluated: 2025-11-22. Review status: criteria provided, single submitter. Criteria: Ambry Variant Classification Scheme 2023. Collection method: clinical testing. Allele origin: germline.
Comment: The p.K1322R variant (also known as c.3965A>G), located in coding exon 9 of the BRCA1 gene, results from an A to G substitution at nucleotide position 3965. The lysine at codon 1322 is replaced by arginine, an amino acid with highly similar properties. This amino acid position is well conserved in available vertebrate species. In addition, the in silico prediction for this alteration is inconclusive. In silico splice site analysis predicts that this alteration may result in the creation or strengthening of a novel splice acceptor site, however direct evidence is insufficient at this time (Ambry internal data). Since supporting evidence is limited at this time, the clinical significance of this alteration remains unclear.

Myriad Genetics, Inc.
Classification: Likely benign for Breast-ovarian cancer, familial, susceptibility to, 1. Last evaluated: 2024-11-06. Review status: criteria provided, single submitter. Criteria: Myriad Autosomal Dominant, Autosomal Recessive and X-Linked Classification Criteria (2023). Collection method: clinical testing. Allele origin: unknown.
Comment: This variant is considered likely benign. This variant is strongly associated with less severe personal and family histories of cancer, typical for individuals without pathogenic variants in this gene [PMID: 25085752].

Labcorp Genetics (formerly Invitae), Labcorp
Classification: Uncertain significance for Hereditary breast ovarian cancer syndrome. Last evaluated: 2024-07-25. Review status: criteria provided, single submitter. Criteria: Invitae Variant Classification Sherloc (09022015). Collection method: clinical testing. Allele origin: germline.
Comment: This sequence change replaces lysine, which is basic and polar, with arginine, which is basic and polar, at codon 1322 of the BRCA1 protein (p.Lys1322Arg). This variant is present in population databases (no rsID available, gnomAD 0.0009%). This variant has not been reported in the literature in individuals affected with BRCA1-related conditions. ClinVar contains an entry for this variant (Variation ID: 481448). Advanced modeling of protein sequence and biophysical properties (such as structural, functional, and spatial information, amino acid conservation, physicochemical variation, residue mobility, and thermodynamic stability) performed at Invitae indicates that this missense variant is not expected to disrupt BRCA1 protein function with a negative predictive value of 95%. RNA analysis performed to evaluate the impact of this missense change on mRNA splicing indicates it does not significantly alter splicing (Invitae). In summary, the available evidence is currently insufficient to determine the role of this variant in disease. Therefore, it has been classified as a Variant of Uncertain Significance.

Color Diagnostics, LLC DBA Color Health
Classification: Uncertain significance for Hereditary cancer-predisposing syndrome. Last evaluated: 2023-11-01. Review status: criteria provided, single submitter. Criteria: ACMG Guidelines, 2015. Collection method: clinical testing. Allele origin: germline.
Comment: This missense variant replaces lysine with arginine at codon 1322 of the BRCA1 protein. Computational prediction suggests that this variant may not impact protein structure and function. Splice site prediction tools indicate that this variant may create a cryptic splice acceptor site in exon 10 altering the encoded protein. To our knowledge, RNA splicing prediction and impact and functional studies have not been reported for this variant. A multifactorial analysis has reported likelihood ratios based on co-occurrence with a pathogenic variant and family history of 1.0331 and 0.6418, respectively (PMID: 31131967). This variant has been identified in 1/251298 chromosomes in the general population by the Genome Aggregation Database (gnomAD). The available evidence is insufficient to determine the role of this variant in disease conclusively. Therefore, this variant is classified as a Variant of Uncertain Significance.

KCCC/NGS Laboratory, Kuwait Cancer Control Center
Classification: Uncertain significance for Breast-ovarian cancer, familial, susceptibility to, 1. Last evaluated: 2023-05-29. Review status: criteria provided, single submitter. Criteria: ACMG Guidelines, 2015. Collection method: clinical testing. Allele origin: unknown. Inheritance: Autosomal dominant inheritance. Affected: yes.
Comment: a variant of uncertain significance was detected in the BRCA1 gene (p.Lys1322Arg).This sequence change replaces lysine, which is basic and polar, with arginine, which is basic and polar, at codon 1322 of the BRCA1 protein (p.Lys1322Arg). This variant is present in population databases (no rsID available, gnomAD 0.0009%). This amino acid position is mild conserved( PhylP=3.2) . This variant has not been reported in the literature in individuals affected with BRCA1‐related conditions. ClinVar contains an entry for this variant (Variation ID: 481448). In silico splice site analysis predicts that this alteration may result in the creation or strengthening of a novel splice acceptor site. In summary, the available evidence is currently insufficient to determine the role of this variant in disease. Therefore, it has been classified as a Variant of Uncertain Significance.

University of Washington Department of Laboratory Medicine, University of Washington
Classification: Likely benign for Hereditary cancer-predisposing syndrome. Last evaluated: 2023-03-23. Review status: criteria provided, single submitter. Criteria: Dines et al. (Genet Med. 2020). Collection method: curation. Allele origin: germline.
Comment: Missense variant in a coldspot region where missense variants are very unlikely to be pathogenic (PMID:31911673).

BRCA1 coldspot (exon 11 using historical exon numbering). Reclassification based on statistical prior probability

Mayo Clinic Laboratories, Mayo Clinic
Classification: Uncertain significance. Last evaluated: 2023-03-07. Review status: criteria provided, single submitter. Criteria: ACMG Guidelines, 2015. Collection method: clinical testing. Allele origin: germline. Observed: 1 variant allele.
Comment: PM2

Women's Health and Genetics/Laboratory Corporation of America, LabCorp
Classification: Uncertain significance. Last evaluated: 2019-07-02. Review status: criteria provided, single submitter. Criteria: LabCorp Variant Classification Summary - May 2015. Collection method: clinical testing. Allele origin: germline.
Comment: Variant summary: BRCA1 c.3965A>G (p.Lys1322Arg) results in a conservative amino acid change in the encoded protein sequence. Four of five in-silico tools predict a benign effect of the variant on protein function. The variant allele was found at a frequency of 4e-06 in 251298 control chromosomes (gnomAD). The available data on variant occurrences in the general population are insufficient to allow any conclusion about variant significance. To our knowledge, no occurrence of c.3965A>G in individuals affected with Hereditary Breast and Ovarian Cancer and no experimental evidence demonstrating its impact on protein function have been reported. Two ClinVar submitters (evaluation after 2014) cite the variant as uncertain significance. Based on the evidence outlined above, the variant was classified as uncertain significance, until additional information becomes available.

BRCAlab, Lund University
Classification: Uncertain significance for Breast-ovarian cancer, familial, susceptibility to, 1. Last evaluated: 2020-03-02. Review status: no assertion criteria provided. Collection method: clinical testing. Allele origin: germline. Affected: yes. Not counted in ClinVar's aggregate classification.

Literature cited by the submitters: PubMed 25085752 (cited by Myriad Genetics, Inc.); PubMed 31131967 (cited by Color Diagnostics, LLC DBA Color Health).